The following is an entry in ClinVar:

NM_006440.5(TXNRD2):c.127C>G (p.Leu43Val)

Gene: TXNRD2 (thioredoxin reductase 2; minus strand). Cytogenetic location: 22q11.21.
Variant type: single nucleotide variant.
Coding change: c.127C>G on transcript NM_006440.5 (MANE Select); coding-DNA position 127, C replaced by G.
Protein change: p.Leu43Val; replaces leucine 43 with valine.
Molecular consequence: missense variant. On other transcripts: 5 prime UTR variant (1), non-coding transcript variant (1).
Genome position (GRCh38, 1-based): chr22:19,931,075, G>C on the plus strand (C>G on the coding strand, the complement: TXNRD2 is on the minus strand). VCF-style: chr22-19931075-G-C. GRCh37 (hg19) VCF-style: chr22-19918598-G-C.
Other names: c.127C>G, p.Leu43Val (NM_001282512.3); c.124C>G, p.Leu42Val (NM_001352300.2); c.37C>G, p.Leu13Val (NM_001352301.2); c.-162C>G (NM_001352302.2); c.31C>G, p.Leu11Val (NM_001352303.2); short protein forms L13V, L11V, L42V, L43V.
Identifiers: ClinVar variation 1767488 (VCV001767488.2), dbSNP rs1250207795, ClinGen allele CA410697041.

ClinVar aggregate classification (germline): Uncertain significance (1 of 4 stars; one submission).

Conditions:
Cardiovascular phenotype. Identifiers: MedGen CN230736.

Allele frequency attached by ClinVar (database versions not stated): gnomAD exomes below 0.00001; TOPMed below 0.00001; gnomAD 0.00001.
gnomAD v4.1: 8 of 1,613,500 alleles (0.0005%); highest among the groups gnomAD compares: African/African-American, 0.0027%; no homozygotes.

Submission:

Ambry Genetics
Classification: Uncertain significance for Cardiovascular phenotype. Last evaluated: 2020-11-09. Review status: criteria provided, single submitter. Criteria: Ambry Variant Classification Scheme 2023. Collection method: clinical testing. Allele origin: germline.
Comment: The p.L43V variant (also known as c.127C>G), located in coding exon 2 of the TXNRD2 gene, results from a C to G substitution at nucleotide position 127. The leucine at codon 43 is replaced by valine, an amino acid with highly similar properties. This amino acid position is highly conserved in available vertebrate species. In addition, this alteration is predicted to be tolerated by in silico analysis. Since supporting evidence is limited at this time, the clinical significance of this alteration remains unclear.